The following is an entry in ClinVar:

ClinVar aggregate classification (germline): Likely pathogenic (1 of 4 stars; one submission).

Submission:

Labcorp Genetics (formerly Invitae), Labcorp
Classification: Likely pathogenic. Last evaluated: 2024-01-11. Review status: criteria provided, single submitter. Criteria: Invitae Variant Classification Sherloc (09022015). Collection method: clinical testing. Allele origin: germline.
Comment: This sequence change affects a splice site in intron 4 of the COL7A1 gene. It is expected to disrupt RNA splicing. Variants that disrupt the donor or acceptor splice site typically lead to a loss of protein function (PMID: 16199547), and loss-of-function variants in COL7A1 are known to be pathogenic (PMID: 16971478). This variant is not present in population databases (gnomAD no frequency). This variant has not been reported in the literature in individuals affected with COL7A1-related conditions. Algorithms developed to predict the effect of sequence changes on RNA splicing suggest that this variant may disrupt the consensus splice site. In summary, the currently available evidence indicates that the variant is pathogenic, but additional data are needed to prove that conclusively. Therefore, this variant has been classified as Likely Pathogenic.

Literature cited by the submitters: PubMed 16199547; PubMed 16971478.

NM_000094.4(COL7A1):c.521-6_521-1del

Gene: COL7A1 (collagen type VII alpha 1 chain; minus strand). Cytogenetic location: 3p21.31.
Variant type: Deletion.
Coding change: c.521-6_521-1del on transcript NM_000094.4 (MANE Select); 6 bases into the intron before coding-DNA position 521 through the canonical splice acceptor site of the intron before coding-DNA position 521, 6 bases deleted (CTTCAG; older notation c.521-6_521-1delCTTCAG).
Molecular consequence: splice acceptor variant.
Genome position (GRCh38, 1-based): chr3:48,593,264-48,593,269, CTGAAG deleted on the plus strand (CTTCAG on the coding strand, the reverse complement: COL7A1 is on the minus strand). VCF-style (leftmost placement, unchanged base first): chr3-48593263-CCTGAAG-C. GRCh37 (hg19) VCF-style: chr3-48630696-CCTGAAG-C.
Identifiers: ClinVar variation 2708982 (VCV002708982.3), dbSNP rs2531344417, ClinGen allele CA2697550878.